The following is an entry in ClinVar:

ClinVar aggregate classification (germline): Uncertain significance (1 of 4 stars; one submission).

Submission:

Labcorp Genetics (formerly Invitae), Labcorp
Classification: Uncertain significance. Last evaluated: 2019-10-25. Review status: criteria provided, single submitter. Criteria: Invitae Variant Classification Sherloc (09022015). Collection method: clinical testing. Allele origin: germline.
Comment: This sequence change falls in intron 33 of the ATR gene. It does not directly change the encoded amino acid sequence of the ATR protein, but it affects a nucleotide within the consensus splice site of the intron. This variant is not present in population databases (ExAC no frequency). This variant has not been reported in the literature in individuals with ATR-related conditions. In summary, the available evidence is currently insufficient to determine the role of this variant in disease. Therefore, it has been classified as a Variant of Uncertain Significance. Nucleotide substitutions within the consensus splice site are a relatively common cause of aberrant splicing (PMID: 17576681, 9536098). Algorithms developed to predict the effect of sequence changes on RNA splicing suggest that this variant is not likely to affect RNA splicing, but this prediction has not been confirmed by published transcriptional studies.

Literature cited by the submitters: PubMed 17576681; PubMed 9536098.

NM_001184.4(ATR):c.5738+5C>T

Gene: ATR (ATR checkpoint kinase; minus strand). Cytogenetic location: 3q23.
Variant type: single nucleotide variant.
Coding change: c.5738+5C>T on transcript NM_001184.4 (MANE Select); 5 bases into the intron after coding-DNA position 5738, C replaced by T.
Molecular consequence: intron variant.
Genome position (GRCh38, 1-based): chr3:142,497,008, G>A on the plus strand (C>T on the coding strand, the complement: ATR is on the minus strand). VCF-style: chr3-142497008-G-A. GRCh37 (hg19) VCF-style: chr3-142215850-G-A.
Other names: c.5546+5C>T (NM_001354579.2).
Identifiers: ClinVar variation 953080 (VCV000953080.9), dbSNP rs2031687229, ClinGen allele CA1139658280.